The following is an entry in ClinVar:

NM_001844.5(COL2A1):c.754G>A (p.Gly252Ser)

Gene: COL2A1 (collagen type II alpha 1 chain; minus strand). Cytogenetic location: 12q13.11.
Variant type: single nucleotide variant.
Coding change: c.754G>A on transcript NM_001844.5 (MANE Select); coding-DNA position 754, G replaced by A.
Protein change: p.Gly252Ser; replaces glycine 252 with serine.
Molecular consequence: missense variant.
Genome position (GRCh38, 1-based): chr12:47,995,263, C>T on the plus strand (G>A on the coding strand, the complement: COL2A1 is on the minus strand). VCF-style: chr12-47995263-C-T. GRCh37 (hg19) VCF-style: chr12-48389046-C-T.
Other names: c.547G>A, p.Gly183Ser (NM_033150.3); short protein forms G183S, G252S.
Identifiers: ClinVar variation 1333272 (VCV001333272.1), dbSNP rs2136616123, ClinGen allele CA384523175.

ClinVar aggregate classification (germline): Uncertain significance (1 of 4 stars; one submission).

Conditions:
Spondyloperipheral dysplasia. Also called: SPONDYLOPERIPHERAL DYSPLASIA WITH SHORT ULNA; Spondyloperipheral dysplasia-short ulna syndrome. Identifiers: Orphanet 1856, MedGen C0796173, MONDO:0010078, OMIM 271700.

Submission:

3billion
Classification: Uncertain significance for Spondyloperipheral dysplasia. Last evaluated: 2022-01-03. Review status: criteria provided, single submitter. Criteria: ACMG Guidelines, 2015. Collection method: clinical testing. Allele origin: germline. Affected: yes. Observed: 1 heterozygote.
Comment: The variant not observed in the gnomAD v2.1.1 dataset (PM2_M). In silico tool predictions suggest damaging effect of the variant on gene or gene product (REVEL: 0.97, 3CNET: 0.978, PP3_P). A missense variant is a common mechanism associated with Spondyloperipheral dysplasia (PP2_P). Therefore, this variant is classified as uncertain significance according to the recommendation of ACMG/AMP guideline.